The following is an entry in ClinVar:

NM_015072.5(TTLL5):c.1271A>G (p.Gln424Arg)

Gene: TTLL5 (tubulin tyrosine ligase like 5; plus strand). Cytogenetic location: 14q24.3.
Variant type: single nucleotide variant.
Coding change: c.1271A>G on transcript NM_015072.5 (MANE Select); coding-DNA position 1271, A replaced by G.
Protein change: p.Gln424Arg; replaces glutamine 424 with arginine.
Molecular consequence: missense variant.
Genome position (GRCh38, 1-based): chr14:75,735,279, A>G. VCF-style: chr14-75735279-A-G. GRCh37 (hg19) VCF-style: chr14-76201622-A-G.
Other names: short protein forms Q424R.
Identifiers: ClinVar variation 1040709 (VCV001040709.8), dbSNP rs769960522, ClinGen allele CA7279307.

ClinVar aggregate classification (germline): Uncertain significance (1 of 4 stars; one submission).

Allele frequency attached by ClinVar (database versions not stated): gnomAD exomes below 0.00001 and 0.00001; ExAC 0.00001; gnomAD 0.00001.
gnomAD v4.1: 9 of 1,614,064 alleles (0.00056%); highest among the groups gnomAD compares: African/African-American, 0.0027%; no homozygotes.

Submission:

Labcorp Genetics (formerly Invitae), Labcorp
Classification: Uncertain significance. Last evaluated: 2025-04-17. Review status: criteria provided, single submitter. Criteria: Invitae Variant Classification Sherloc (09022015). Collection method: clinical testing. Allele origin: germline.
Comment: This sequence change replaces glutamine, which is neutral and polar, with arginine, which is basic and polar, at codon 424 of the TTLL5 protein (p.Gln424Arg). This variant is present in population databases (rs769960522, gnomAD 0.01%). This variant has not been reported in the literature in individuals affected with TTLL5-related conditions. ClinVar contains an entry for this variant (Variation ID: 1040709). Invitae Evidence Modeling of protein sequence and biophysical properties (such as structural, functional, and spatial information, amino acid conservation, physicochemical variation, residue mobility, and thermodynamic stability) indicates that this missense variant is not expected to disrupt TTLL5 protein function with a negative predictive value of 80%. In summary, the available evidence is currently insufficient to determine the role of this variant in disease. Therefore, it has been classified as a Variant of Uncertain Significance.